The following is an entry in ClinVar:

NM_000195.5(HPS1):c.1714G>T (p.Gly572Trp)

Gene: HPS1 (HPS1 biogenesis of lysosomal organelles complex 3 subunit 1; minus strand). Cytogenetic location: 10q24.2.
Variant type: single nucleotide variant.
Coding change: c.1714G>T on transcript NM_000195.5 (MANE Select); coding-DNA position 1714, G replaced by T.
Protein change: p.Gly572Trp; replaces glycine 572 with tryptophan.
Molecular consequence: missense variant.
Genome position (GRCh38, 1-based): chr10:98,422,398, C>A on the plus strand (G>T on the coding strand, the complement: HPS1 is on the minus strand). VCF-style: chr10-98422398-C-A. GRCh37 (hg19) VCF-style: chr10-100182155-C-A.
Other names: c.742G>T, p.Gly248Trp (NM_001311345.2, NM_001322487.2, NM_001322489.2); c.1714G>T, p.Gly572Trp (NM_001322476.2, NM_001322477.2); c.1615G>T, p.Gly539Trp (NM_001322478.2, NM_001322479.2); c.1453G>T, p.Gly485Trp (NM_001322480.2, NM_001322481.2); c.1354G>T, p.Gly452Trp (NM_001322482.2); c.1345G>T, p.Gly449Trp (NM_001322483.2, NM_001322484.2); c.1246G>T, p.Gly416Trp (NM_001322485.2); short protein forms G485W, G248W, G416W, G452W, G539W, G449W, G572W.
Identifiers: ClinVar variation 2055444 (VCV002055444.3), dbSNP rs756794900, ClinGen allele CA378043929.
Genomic context (GRCh38, chr10:98,422,398, plus strand): 5'-ACCCATCCCCGCCCTGGGTCCAAATGGTTACCTTAGTTTTGACAAAGGCAGCCAGCGGCC[C>A]CTTGCCCAACTCCGACGAGGTCTTTTGACTGCAGTTGAGGGAAGGCGCCACCATCTGCCC-3'
Protein context (NP_000186.2, residues 562-582): SQKTSSELGK[Gly572Trp]PLAAFVKTKV

ClinVar aggregate classification (germline): Uncertain significance (1 of 4 stars; one submission).

Submission:

Labcorp Genetics (formerly Invitae), Labcorp
Classification: Uncertain significance. Last evaluated: 2024-12-02. Review status: criteria provided, single submitter. Criteria: Invitae Variant Classification Sherloc (09022015). Collection method: clinical testing. Allele origin: germline.
Comment: This sequence change replaces glycine, which is neutral and non-polar, with tryptophan, which is neutral and slightly polar, at codon 572 of the HPS1 protein (p.Gly572Trp). This variant is not present in population databases (gnomAD no frequency). This variant has not been reported in the literature in individuals affected with HPS1-related conditions. ClinVar contains an entry for this variant (Variation ID: 2055444). Invitae Evidence Modeling of protein sequence and biophysical properties (such as structural, functional, and spatial information, amino acid conservation, physicochemical variation, residue mobility, and thermodynamic stability) has been performed for this missense variant. However, the output from this modeling did not meet the statistical confidence thresholds required to predict the impact of this variant on HPS1 protein function. In summary, the available evidence is currently insufficient to determine the role of this variant in disease. Therefore, it has been classified as a Variant of Uncertain Significance.